The following is an entry in ClinVar:

NM_001384732.1(CPLANE1):c.5476A>G (p.Ser1826Gly)

Gene: CPLANE1 (ciliogenesis and planar polarity effector complex subunit 1; minus strand). Cytogenetic location: 5p13.2.
Variant type: single nucleotide variant.
Coding change: c.5476A>G on transcript NM_001384732.1 (MANE Select); coding-DNA position 5476, A replaced by G.
Protein change: p.Ser1826Gly; replaces serine 1826 with glycine.
Molecular consequence: missense variant.
Genome position (GRCh38, 1-based): chr5:37,180,951, T>C on the plus strand (A>G on the coding strand, the complement: CPLANE1 is on the minus strand). VCF-style: chr5-37180951-T-C. GRCh37 (hg19) VCF-style: chr5-37181053-T-C.
Other names: c.5476A>G, p.Ser1826Gly (NM_023073.4); short protein forms S1826G.
Identifiers: ClinVar variation 1966713 (VCV001966713.5), dbSNP rs1457541096, ClinGen allele CA359491076.

ClinVar aggregate classification (germline): Uncertain significance (1 of 4 stars; one submission).

Allele frequency attached by ClinVar (database versions not stated): gnomAD exomes below 0.00001.
gnomAD v4.1: 4 of 1,613,916 alleles (0.00025%); highest among the groups gnomAD compares: Admixed American, 0.005%; no homozygotes.

Submission:

Labcorp Genetics (formerly Invitae), Labcorp
Classification: Uncertain significance. Last evaluated: 2023-10-03. Review status: criteria provided, single submitter. Criteria: Invitae Variant Classification Sherloc (09022015). Collection method: clinical testing. Allele origin: germline.
Comment: This sequence change replaces serine, which is neutral and polar, with glycine, which is neutral and non-polar, at codon 1826 of the CPLANE1 protein (p.Ser1826Gly). This variant is present in population databases (no rsID available, gnomAD 0.003%). This variant has not been reported in the literature in individuals affected with CPLANE1-related conditions. ClinVar contains an entry for this variant (Variation ID: 1966713). Advanced modeling of protein sequence and biophysical properties (such as structural, functional, and spatial information, amino acid conservation, physicochemical variation, residue mobility, and thermodynamic stability) performed at Invitae indicates that this missense variant is not expected to disrupt CPLANE1 protein function. Algorithms developed to predict the effect of sequence changes on RNA splicing suggest that this variant may disrupt the consensus splice site. In summary, the available evidence is currently insufficient to determine the role of this variant in disease. Therefore, it has been classified as a Variant of Uncertain Significance.